The following is an entry in ClinVar:

NM_004006.3(DMD):c.5649del (p.Arg1884fs)

Gene: DMD (dystrophin; minus strand). Cytogenetic location: Xp21.1.
Variant type: Deletion.
Coding change: c.5649del on transcript NM_004006.3 (MANE Select); coding-DNA position 5649, one base deleted (G; older notation c.5649delG).
Protein change: p.Arg1884fs; shifts the reading frame from arginine 1884.
Molecular consequence: frameshift variant.
Genome position (GRCh38, 1-based): chrX:32,343,224, C deleted on the plus strand (G on the coding strand, the reverse complement: DMD is on the minus strand). VCF-style (leftmost placement, unchanged base first): chrX-32343223-TC-T. GRCh37 (hg19) VCF-style: chrX-32361340-TC-T.
Other names: c.5625del, p.Arg1876fs (NM_000109.4); c.5637del, p.Arg1880fs (NM_004009.3); c.5280del, p.Arg1761fs (NM_004010.3); c.1626del, p.Arg543fs (NM_004011.4); c.1617del, p.Arg540fs (NM_004012.4); short protein forms R1880fs, R1884fs, R1761fs, R1876fs, R540fs, R543fs.
Identifiers: ClinVar variation 1369227 (VCV001369227.6), dbSNP rs2146991715, ClinGen allele CA2573158789.

ClinVar aggregate classification (germline): Pathogenic (1 of 4 stars; one submission).

Conditions:
Duchenne muscular dystrophy (DMD). Also called: MUSCULAR DYSTROPHY, PSEUDOHYPERTROPHIC PROGRESSIVE, DUCHENNE TYPE; Duchenne Muscular Dystrophy (DMD). Identifiers: Orphanet 98896, MedGen C0013264, MONDO:0010679, OMIM 310200.

Submission:

Labcorp Genetics (formerly Invitae), Labcorp
Classification: Pathogenic for Duchenne muscular dystrophy. Last evaluated: 2021-01-29. Review status: criteria provided, single submitter. Criteria: Invitae Variant Classification Sherloc (09022015). Collection method: clinical testing. Allele origin: germline.
Comment: This sequence change creates a premature translational stop signal (p.Arg1884Glyfs*7) in the DMD gene. It is expected to result in an absent or disrupted protein product. Loss-of-function variants in DMD are known to be pathogenic (PMID: 16770791, 25007885). This variant is not present in population databases (ExAC no frequency). This variant has not been reported in the literature in individuals with DMD-related conditions. For these reasons, this variant has been classified as Pathogenic.

Literature cited by the submitters: PubMed 16770791; PubMed 25007885.